The following is an entry in ClinVar:

NM_014975.3(MAST1):c.4576C>A (p.Pro1526Thr)

Gene: MAST1 (microtubule associated serine/threonine kinase 1; plus strand). Cytogenetic location: 19p13.13.
Variant type: single nucleotide variant.
Coding change: c.4576C>A on transcript NM_014975.3 (MANE Select); coding-DNA position 4576, C replaced by A.
Protein change: p.Pro1526Thr; replaces proline 1526 with threonine.
Molecular consequence: missense variant.
Genome position (GRCh38, 1-based): chr19:12,874,733, C>A. VCF-style: chr19-12874733-C-A. GRCh37 (hg19) VCF-style: chr19-12985547-C-A.
Other names: short protein forms P1526T.
Identifiers: ClinVar variation 1710429 (VCV001710429.3), dbSNP rs2512546193, ClinGen allele CA404292830.
Genomic context (GRCh38, chr19:12,874,733, plus strand): 5'-GAGCCCCAGACACCCTCCCTAGCCCCAGCGAAGTGCAGTGCACCCAGCAGTGCAGTGACC[C>A]CAGTCCCACCCGCATCCCTCTTGGGCTCAGGCACCAAGCCTCAAGTGGGGCTGACCTCCC-3'
Protein context (NP_055790.1, residues 1516-1536): KCSAPSSAVT[Pro1526Thr]VPPASLLGSG

ClinVar aggregate classification (germline): Uncertain significance (1 of 4 stars; one submission).

Submission:

Greenwood Genetic Center Diagnostic Laboratories, Greenwood Genetic Center
Classification: Uncertain significance. Last evaluated: 2022-09-29. Review status: criteria provided, single submitter. Criteria: ACMG Guidelines, 2015. Collection method: clinical testing. Allele origin: germline. Affected: yes.
Comment: PM2